The following is an entry in ClinVar:

NM_012154.5(AGO2):c.1971G>A (p.Thr657=)

Gene: AGO2 (argonaute RISC catalytic component 2; minus strand). Cytogenetic location: 8q24.3.
Variant type: single nucleotide variant.
Coding change: c.1971G>A on transcript NM_012154.5 (MANE Select); coding-DNA position 1971, G replaced by A.
Protein change: p.Thr657=; no amino-acid change (threonine 657 retained).
Molecular consequence: synonymous variant.
Genome position (GRCh38, 1-based): chr8:140,541,227, C>T on the plus strand (G>A on the coding strand, the complement: AGO2 is on the minus strand). VCF-style: chr8-140541227-C-T. GRCh37 (hg19) VCF-style: chr8-141551326-C-T.
Other names: c.1971G>A, p.Thr657= (NM_001164623.3).
Identifiers: ClinVar variation 2658861 (VCV002658861.24), dbSNP rs745418916, ClinGen allele CA4894249.

ClinVar aggregate classification (germline): Likely benign (1 of 4 stars; one submission).

Allele frequency attached by ClinVar (database versions not stated): gnomAD exomes 0.00003; gnomAD 0.00006; ExAC 0.00008.
gnomAD v4.1: 55 of 1,607,556 alleles (0.0034%); highest among the groups gnomAD compares: Admixed American, 0.027%; no homozygotes.

Submission:

CeGaT Center for Human Genetics Tuebingen
Classification: Likely benign. Last evaluated: 2025-11-01. Review status: criteria provided, single submitter. Criteria: CeGaT Center For Human Genetics Tuebingen Variant Classification Criteria Version 2. Collection method: clinical testing. Allele origin: germline. Affected: yes. Observed: 1 variant allele.
Comment: AGO2: BP4, BP7